The following is an entry in ClinVar:

NM_000363.5(TNNI3):c.48_64del (p.Ala17fs)

Gene: TNNI3 (troponin I3, cardiac type; minus strand). Cytogenetic location: 19q13.42.
Variant type: Deletion.
Coding change: c.48_64del on transcript NM_000363.5 (MANE Select); coding-DNA positions 48 to 64, 17 bases deleted (AGCCCCAATCAGACGCC).
Protein change: p.Ala17fs; shifts the reading frame from alanine 17.
Molecular consequence: frameshift variant.
Genome position (GRCh38, 1-based): chr19:55,157,094-55,157,110, GGCGTCTGATTGGGGCT deleted on the plus strand (AGCCCCAATCAGACGCC on the coding strand, the reverse complement: TNNI3 is on the minus strand); deleting any 17 consecutive bases within chr19:55,157,094-55,157,112 gives the same sequence; the c. name uses the placement nearest the transcript's 3' end. VCF-style (leftmost placement, unchanged base first): chr19-55157093-CGGCGTCTGATTGGGGCT-C. GRCh37 (hg19) VCF-style: chr19-55668461-CGGCGTCTGATTGGGGCT-C.
Other names: short protein forms A17fs.
Identifiers: ClinVar variation 926105 (VCV000926105.3), dbSNP rs2085738631, ClinGen allele CA913187836.
Genomic context (GRCh38, chr19:55,157,093, plus strand): 5'-AGGAAGCCCCGTCCCACCTTGGCGTGCGGCTCCGTGGCATAAGCGCGGTAGTTGGAGGAG[CGGCGTCTGATTGGGGCT>C]GGTGCAGGGCGAGGTTCCCTAGCCTGGGTTAGGAGGAGTGGGGACCCCATCACCACCAAG-3'

ClinVar aggregate classification (germline): Uncertain significance (1 of 4 stars; one submission).

Conditions:
Cardiomyopathy (CMYO). Also called: Cardiomyopathies. Identifiers: Orphanet 167848, MedGen C0878544, MONDO:0004994, HP:0001638. Inheritance: Various modes of inheritance.

Submission:

Color Diagnostics, LLC DBA Color Health
Classification: Uncertain significance for Cardiomyopathy. Last evaluated: 2019-01-31. Review status: criteria provided, single submitter. Criteria: ACMG Guidelines, 2015. Collection method: clinical testing. Allele origin: germline.
Comment: Variant of Uncertain Significance due to insufficient evidence: This variant deletes 17 nucleotides in exon 3 of the TNNI3 gene, creating a frameshift and premature translation stop signal. This variant is expected to result in an absent or non-functional protein product. To our knowledge, functional assays have not been performed for this variant nor has this variant been reported in individuals affected with cardiovascular disorders in the literature. This variant is rare in the general population and has been identified in 0/277264 chromosomes by the Genome Aggregation Database (gnomAD). Disease-causing variants in TNNI3 are mostly missense variants that act in a dominant-negative manner. The role of TNNI3 truncation variants in cardiomyopathy is not clearly established. Available evidence is insufficient to determine the role of this variant in disease conclusively.